The following is an entry in ClinVar:

NM_001194998.2(CEP152):c.3829dup (p.Ile1277fs)

Gene: CEP152 (centrosomal protein 152; minus strand). Cytogenetic location: 15q21.1.
Variant type: Duplication.
Coding change: c.3829dup on transcript NM_001194998.2 (MANE Select); coding-DNA position 3829, one base duplicated (A; older notation c.3829dupA).
Protein change: p.Ile1277fs; shifts the reading frame from isoleucine 1277.
Molecular consequence: frameshift variant.
Genome position (GRCh38, 1-based): chr15:48,744,246, T duplicated on the plus strand (A on the coding strand, the reverse complement: CEP152 is on the minus strand); the first of 8 consecutive T bases (chr15:48,744,246-48,744,253); duplicating any one gives the same sequence. VCF-style (leftmost placement, unchanged base first): chr15-48744245-A-AT. GRCh37 (hg19) VCF-style: chr15-49036442-A-AT.
Other names: c.3661dup, p.Ile1221fs (NM_014985.4); short protein forms I1277fs, I1221fs.
Identifiers: ClinVar variation 4750197 (VCV004750197.1).
Genomic context (GRCh38, chr15:48,744,245, plus strand): 5'-CAGTGATAATAAAAAAGGCCCAAGCCATCCTTAAAATCTTCAGAATTAAACTTACATTTA[A>AT]TTTTTTTTACAGCTTTAATGTACTGCCCACGAAGTTCTTCCAAGGCTCCCCCACTGCATG-3'

ClinVar aggregate classification (germline): Pathogenic (1 of 4 stars; one submission).

Submission:

Labcorp Genetics (formerly Invitae), Labcorp
Classification: Pathogenic. Last evaluated: 2025-11-18. Review status: criteria provided, single submitter. Criteria: Invitae Variant Classification Sherloc (09022015). Collection method: clinical testing. Allele origin: germline.
Comment: This sequence change creates a premature translational stop signal (p.Ile1221Asnfs*2) in the CEP152 gene. It is expected to result in an absent or disrupted protein product. Loss-of-function variants in CEP152 are known to be pathogenic (PMID: 21131973). This variant is not present in population databases (gnomAD no frequency). This variant has not been reported in the literature in individuals affected with CEP152-related conditions. For these reasons, this variant has been classified as Pathogenic.

Literature cited by the submitters: PubMed 21131973.